The following is an entry in ClinVar:

NM_004187.5(KDM5C):c.347del (p.Ser116fs)

Gene: KDM5C (lysine demethylase 5C; minus strand). Cytogenetic location: Xp11.22.
Variant type: Deletion.
Coding change: c.347del on transcript NM_004187.5 (MANE Select); coding-DNA position 347, one base deleted (G; older notation c.347delG).
Protein change: p.Ser116fs; shifts the reading frame from serine 116.
Molecular consequence: frameshift variant. On other transcripts: non-coding transcript variant (2), intron variant (1).
Genome position (GRCh38, 1-based): chrX:53,218,280, C deleted on the plus strand (G on the coding strand, the reverse complement: KDM5C is on the minus strand). VCF-style (leftmost placement, unchanged base first): chrX-53218279-GC-G. GRCh37 (hg19) VCF-style: chrX-53247461-GC-G.
Other names: c.347del, p.Ser116fs (NM_001282622.3, NM_001353978.3, NM_001353979.2 and 3 more transcripts); c.151-314del (NM_001146702.2); short protein forms S116fs.
Identifiers: ClinVar variation 4531330 (VCV004531330.1).

ClinVar aggregate classification (germline): Pathogenic (1 of 4 stars; one submission).

Conditions:
Intellectual developmental disorder, X-linked, syndromic, Claes-Jensen type. Also called: Syndromic X-linked intellectual disability Claes-Jensen type; INTELLECTUAL DEVELOPMENTAL DISORDER, X-LINKED, SYNDROMIC 16; MENTAL RETARDATION, X-LINKED, SYNDROMIC 16. Identifiers: Orphanet 85279, MedGen C1845243, MONDO:0010355, OMIM 300534.

Submission:

Victorian Clinical Genetics Services, Murdoch Childrens Research Institute
Classification: Pathogenic for Intellectual developmental disorder, X-linked, syndromic, Claes-Jensen type. Last evaluated: 2024-10-03. Review status: criteria provided, single submitter. Criteria: ACMG Guidelines, 2015. Collection method: clinical testing. Allele origin: germline. Affected: yes.
Comment: This variant is classified as Pathogenic. Evidence in support of pathogenic classification: Variant is predicted to cause nonsense-mediated decay (NMD) and loss of protein (premature termination codon is located at least 54 nucleotides upstream of the final exon-exon junction); Variant is absent from gnomAD (v2, v3 and v4); Other NMD-predicted variant(s) comparable to the one identified in this case have very strong previous evidence for pathogenicity (DECIPHER); Additional information: This variant is heterozygous; This gene is associated with X-linked disease. Females heterozygous for familial variants have been reported to be mildly affected, while de novo heterozygous females tend to be syndromic and more severely affected (PMIDs: 32279304, 36553533); This variant has no previous evidence of pathogenicity; No published segregation evidence has been identified for this variant; No published functional evidence has been identified for this variant; Loss of function is a known mechanism of disease in this gene and is associated with intellectual developmental disorder, X-linked syndromic, Claes-Jensen type (MIM#300534); Variants in this gene are known to have variable expressivity. Intrafamilial and interfamilial variability have been reported (PMID: 16541399).

Literature cited by the submitters: PubMed 16541399; PubMed 32279304; PubMed 36553533.